The following is an entry in ClinVar:

ClinVar aggregate classification (germline): Pathogenic. Review status: criteria provided, multiple submitters, no conflicts (2 of 4 stars). 2 submissions from 2 submitters: Pathogenic (2). Last evaluated 2023-12-06.

Conditions:
Intellectual developmental disorder, X-linked 21. Also called: Mental retardation, X-linked 21/34; MENTAL RETARDATION, X-LINKED 34; Intellectual disability, X-linked 21. Identifiers: Orphanet 777, MedGen C5551510, MONDO:0010256, OMIM 300143.

Submissions (2):

Equipe Genetique des Anomalies du Developpement, Université de Bourgogne
Classification: Pathogenic for Intellectual developmental disorder, X-linked 21. Last evaluated: 2023-12-06. Review status: criteria provided, single submitter. Criteria: ACMG Guidelines, 2015. Collection method: clinical testing. Allele origin: de novo. Affected: yes.

GeneDx
Classification: Pathogenic. Last evaluated: 2018-06-07. Review status: criteria provided, single submitter. Criteria: GeneDx Variant Classification (06012015). Collection method: clinical testing. Allele origin: germline. Affected: yes.
Comment: The R352X variant in the IL1RAPL1gene has not been reported previously as a pathogenic variant nor as a benign variant, to our knowledge. This variant is predicted to cause loss of normal protein function either through protein truncation or nonsense-mediated mRNA decay. The R352X variant is not observed in large population cohorts (Lek et al., 2016). We interpret R352X as a pathogenic variant.

NM_014271.4(IL1RAPL1):c.1054C>T (p.Arg352Ter)

Gene: IL1RAPL1 (interleukin 1 receptor accessory protein like 1; plus strand). Cytogenetic location: Xp21.2.
Variant type: single nucleotide variant.
Coding change: c.1054C>T on transcript NM_014271.4 (MANE Select); coding-DNA position 1054, C replaced by T.
Protein change: p.Arg352Ter; replaces arginine 352 with a stop codon.
Molecular consequence: nonsense.
Genome position (GRCh38, 1-based): chrX:29,920,091, C>T. VCF-style: chrX-29920091-C-T. GRCh37 (hg19) VCF-style: chrX-29938208-C-T.
Other names: short protein forms R352*.
Identifiers: ClinVar variation 620223 (VCV000620223.2), dbSNP rs1569203705, ClinGen allele CA412636380.